The following is an entry in ClinVar:

NM_002907.4(RECQL):c.128C>T (p.Thr43Ile)

Gene: RECQL (RecQ like helicase; minus strand). Cytogenetic location: 12p12.1.
Variant type: single nucleotide variant.
Coding change: c.128C>T on transcript NM_002907.4 (MANE Select); coding-DNA position 128, C replaced by T.
Protein change: p.Thr43Ile; replaces threonine 43 with isoleucine.
Molecular consequence: missense variant.
Genome position (GRCh38, 1-based): chr12:21,491,605, G>A on the plus strand (C>T on the coding strand, the complement: RECQL is on the minus strand). VCF-style: chr12-21491605-G-A. GRCh37 (hg19) VCF-style: chr12-21644539-G-A.
Other names: c.128C>T, p.Thr43Ile (NM_032941.3); short protein forms T43I.
Identifiers: ClinVar variation 1769062 (VCV001769062.2), dbSNP rs1220432820, ClinGen allele CA384134500.

ClinVar aggregate classification (germline): Uncertain significance (1 of 4 stars; one submission).

Submission:

Ambry Genetics
Classification: Uncertain significance. Last evaluated: 2022-02-26. Review status: criteria provided, single submitter. Criteria: Ambry Variant Classification Scheme 2023. Collection method: clinical testing. Allele origin: germline.
Comment: The p.T43I variant (also known as c.128C>T), located in coding exon 2 of the RECQL gene, results from a C to T substitution at nucleotide position 128. The threonine at codon 43 is replaced by isoleucine, an amino acid with similar properties. This amino acid position is conserved. In addition, this alteration is predicted to be tolerated by in silico analysis. Since supporting evidence is limited at this time, the clinical significance of this alteration remains unclear.